The following is an entry in ClinVar:

NM_000565.4(IL6R):c.1052C>T (p.Ala351Val)

Gene: IL6R (interleukin 6 receptor; plus strand). Cytogenetic location: 1q21.3.
Variant type: single nucleotide variant.
Coding change: c.1052C>T on transcript NM_000565.4 (MANE Select); coding-DNA position 1052, C replaced by T.
Protein change: p.Ala351Val; replaces alanine 351 with valine.
Molecular consequence: missense variant.
Genome position (GRCh38, 1-based): chr1:154,449,966, C>T. VCF-style: chr1-154449966-C-T. GRCh37 (hg19) VCF-style: chr1-154422442-C-T.
Other names: c.1052C>T, p.Ala351Val (NM_001382769.1, NM_181359.3); c.1145C>T, p.Ala382Val (NM_001382770.1); c.1100C>T, p.Ala367Val (NM_001382771.1, NM_001382773.1); c.1046C>T, p.Ala349Val (NM_001382772.1); c.692C>T, p.Ala231Val (NM_001382774.1); c.1052C>T (NM_000565.3); short protein forms A231V, A349V, A382V, A351V, A367V.
Identifiers: ClinVar variation 2068591 (VCV002068591.2), dbSNP rs373575595, ClinGen allele CA1129243.

ClinVar aggregate classification (germline): Uncertain significance. Review status: criteria provided, multiple submitters, no conflicts (2 of 4 stars). 2 submissions from 2 submitters: Uncertain significance (2). Last evaluated 2023-11-02.

Allele frequency attached by ClinVar (database versions not stated): gnomAD 0.00006; ExAC 0.00008; ESP Exome Variant Server 0.00008; TOPMed 0.00015.

Submissions (2):

Ambry Genetics
Classification: Uncertain significance. Last evaluated: 2023-11-02. Review status: criteria provided, single submitter. Criteria: Ambry Variant Classification Scheme 2023. Collection method: clinical testing. Allele origin: germline.

Labcorp Genetics (formerly Invitae), Labcorp
Classification: Uncertain significance. Last evaluated: 2022-01-04. Review status: criteria provided, single submitter. Criteria: Invitae Variant Classification Sherloc (09022015). Collection method: clinical testing. Allele origin: germline.
Comment: This sequence change replaces alanine, which is neutral and non-polar, with valine, which is neutral and non-polar, at codon 351 of the IL6R protein (p.Ala351Val). This variant is present in population databases (rs373575595, gnomAD 0.04%). This variant has not been reported in the literature in individuals affected with IL6R-related conditions. Algorithms developed to predict the effect of missense changes on protein structure and function output the following: SIFT: "Tolerated"; PolyPhen-2: "Benign"; Align-GVGD: "Class C0". The valine amino acid residue is found in multiple mammalian species, which suggests that this missense change does not adversely affect protein function. In summary, the available evidence is currently insufficient to determine the role of this variant in disease. Therefore, it has been classified as a Variant of Uncertain Significance.